The following is an entry in ClinVar:

NM_000465.4(BARD1):c.266C>T (p.Pro89Leu)

Gene: BARD1 (BRCA1 associated RING domain 1; minus strand). Cytogenetic location: 2q35.
Variant type: single nucleotide variant.
Coding change: c.266C>T on transcript NM_000465.4 (MANE Select); coding-DNA position 266, C replaced by T.
Protein change: p.Pro89Leu; replaces proline 89 with leucine.
Molecular consequence: missense variant. On other transcripts: non-coding transcript variant (1), intron variant (2).
Genome position (GRCh38, 1-based): chr2:214,792,395, G>A on the plus strand (C>T on the coding strand, the complement: BARD1 is on the minus strand). VCF-style: chr2-214792395-G-A. GRCh37 (hg19) VCF-style: chr2-215657119-G-A.
Other names: c.209C>T, p.Pro70Leu (NM_001282543.2); c.266C>T, p.Pro89Leu (NM_001282549.2); c.158+17017C>T (NM_001282548.2); c.215+4666C>T (NM_001282545.2); short protein forms P89L, P70L.
Identifiers: ClinVar variation 187030 (VCV000187030.33), dbSNP rs780241203, ClinGen allele CA196550.

ClinVar aggregate classification (germline): Uncertain significance. Review status: criteria provided, multiple submitters, no conflicts (2 of 4 stars). 13 submissions from 13 submitters: Uncertain significance (10). 3 of the submissions do not count toward it. Last evaluated 2026-01-26.

Conditions:
BARD1-related cancer predisposition. Identifiers: MedGen CN377756, MONDO:0700267.
Hereditary cancer-predisposing syndrome. Also called: Tumor predisposition; Neoplastic Syndromes, Hereditary; Hereditary neoplastic syndrome; Hereditary Cancer Syndrome. Identifiers: Orphanet 140162, MedGen C0027672, MeSH D009386, MONDO:0015356.
Familial cancer of breast. Also called: hereditary breast carcinoma; BREAST CANCER, FAMILIAL; Hereditary breast cancer. Identifiers: Orphanet 227535, MedGen C0346153, MONDO:0016419, OMIM 114480. Disease mechanism: loss of function.

Allele frequency attached by ClinVar (database versions not stated): ExAC 0.00002; gnomAD 0.00003.
gnomAD v4.1: 37 of 1,611,884 alleles (0.0023%); highest among the groups gnomAD compares: Middle Eastern, 0.016%; no homozygotes.

Submissions (13):

Labcorp Genetics (formerly Invitae), Labcorp
Classification: Uncertain significance for Familial cancer of breast. Last evaluated: 2026-01-26. Review status: criteria provided, single submitter. Criteria: Invitae Variant Classification Sherloc (09022015). Collection method: clinical testing. Allele origin: germline.
Comment: This sequence change replaces proline, which is neutral and non-polar, with leucine, which is neutral and non-polar, at codon 89 of the BARD1 protein (p.Pro89Leu). This variant is present in population databases (rs780241203, gnomAD 0.003%). This missense change has been observed in individual(s) with breast or ovarian cancer (PMID: 26315354, 32885271). ClinVar contains an entry for this variant (Variation ID: 187030). An algorithm developed to predict the effect of missense changes on protein structure and function (PolyPhen-2) suggests that this variant is likely to be disruptive. In summary, the available evidence is currently insufficient to determine the role of this variant in disease. Therefore, it has been classified as a Variant of Uncertain Significance.

Ambry Genetics
Classification: Uncertain significance for Hereditary cancer-predisposing syndrome. Last evaluated: 2025-07-25. Review status: criteria provided, single submitter. Criteria: Ambry Variant Classification Scheme 2023. Collection method: clinical testing. Allele origin: germline.
Comment: The p.P89L variant (also known as c.266C>T), located in coding exon 3 of the BARD1 gene, results from a C to T substitution at nucleotide position 266. The proline at codon 89 is replaced by leucine, an amino acid with similar properties. This alteration was reported in 1/3236 epithelial ovarian cancer cases and was not observed in controls (Ramus SJ et al. J. Natl. Cancer Inst. 2015 Nov;107(11)). This variant was also observed in 2/3251 individuals who met eligibility criteria for hereditary breast and ovarian cancer syndrome (Lerner-Ellis J et al. J Cancer Res Clin Oncol, 2021 Mar;147:871-879). This amino acid position is highly conserved in available vertebrate species. In addition, the in silico prediction for this alteration is inconclusive. Based on the available evidence, the clinical significance of this variant remains unclear.

Dasa
Classification: Uncertain significance. Last evaluated: 2025-06-09. Review status: criteria provided, single submitter. Criteria: DASA Assertion Criteria. Collection method: clinical testing. Allele origin: germline.
Comment: NM_000465.4(BARD1):c.266C>T (p.Pro89Leu) is a missense variant that results in the substitution of proline with leucine. This variant is rare in population databases. Computational prediction algorithms are consistent with a deleterious effect. The currently available literature and clinical evidence are not sufficient to establish a definitive association between this variant and the reported condition. Therefore, this variant is classified as a variant of uncertain significance.

Quest Diagnostics Nichols Institute San Juan Capistrano
Classification: Uncertain significance. Last evaluated: 2024-12-10. Review status: criteria provided, single submitter. Criteria: Quest Diagnostics criteria. Collection method: clinical testing. Allele origin: unknown.
Comment: The BARD1 c.266C>T (p.Pro89Leu) variant has been reported in the published literature in in individuals with ovarian cancer (PMID: 26315354 (2015)) and breast cancer (PMIDs: 32885271 (2021), 34326862 (2021), 33471991 (2021), see also LOVD). This variant has been identified in reportedly healthy individuals (PMIDs: 38308423 (2024), 35884425 (2022), 33471991 (2021), see also LOVD). The frequency of this variant in the general population (Genome Aggregation Database) is uninformative in the assessment of its pathogenicity. Analysis of this variant using bioinformatics tools for the prediction of the effect of amino acid changes on protein structure and function yielded conflicting predictions that this variant is benign or damaging. Based on the available information, we are unable to determine the clinical significance of this variant.

GeneDx
Classification: Uncertain significance. Last evaluated: 2024-09-30. Review status: criteria provided, single submitter. Criteria: GeneDx Variant Classification Process June 2021. Collection method: clinical testing. Allele origin: germline. Affected: yes.
Comment: Not observed at significant frequency in large population cohorts (gnomAD); In silico analysis supports that this missense variant has a deleterious effect on protein structure/function; This variant is associated with the following publications: (PMID: 26315354, 27720647, 29596542, 18480049, 34631054, 33471991, 31036035, 34326862, 32885271)

Blueprint Genetics
Classification: Uncertain significance. Last evaluated: 2024-09-19. Review status: criteria provided, single submitter. Criteria: ACMG Guidelines, 2015. Collection method: clinical testing. Allele origin: germline.

Color Diagnostics, LLC DBA Color Health
Classification: Uncertain significance for Hereditary cancer-predisposing syndrome. Last evaluated: 2024-06-24. Review status: criteria provided, single submitter. Criteria: ACMG Guidelines, 2015. Collection method: clinical testing. Allele origin: germline.
Comment: This missense variant replaces proline with leucine at codon 89 of the BARD1 protein. Computational prediction suggests that this variant may have deleterious impact on protein structure and function. To our knowledge, functional studies have not been reported for this variant. This variant has been reported in individuals affected with breast caner (PMID: 32885271) and ovarian cancer (PMID: 26315354). In a large international breast cancer case-control meta-analysis, this variant was identified in 1/60466 cases and 4/53461 unaffected controls (PMID: 33471991). This variant has been identified in 4/281412 chromosomes in the general population by the Genome Aggregation Database (gnomAD). The available evidence is insufficient to determine the role of this variant in disease conclusively. Therefore, this variant is classified as a Variant of Uncertain Significance.

Molecular Pathology, Peter Maccallum Cancer Centre
Classification: Uncertain significance for BARD1-related cancer predisposition. Last evaluated: 2024-05-24. Review status: criteria provided, single submitter. Criteria: ACMG Guidelines, 2015. Collection method: clinical testing. Allele origin: germline. Inheritance: Autosomal dominant inheritance.

Women's Health and Genetics/Laboratory Corporation of America, LabCorp
Classification: Uncertain significance. Last evaluated: 2023-10-13. Review status: criteria provided, single submitter. Criteria: LabCorp Variant Classification Summary - May 2015. Collection method: clinical testing. Allele origin: germline.
Comment: Variant summary: BARD1 c.266C>T (p.Pro89Leu) results in a non-conservative amino acid change located in the Zinc finger, RING-type (IPR001841) of the encoded protein sequence. Five of five in-silico tools predict a damaging effect of the variant on protein function. The variant allele was found at a frequency of 1.2e-05 in 250924 control chromosomes. The available data on variant occurrences in the general population are insufficient to allow any conclusion about variant significance. c.266C>T has been reported in the literature in individuals affected with Cancer (Mu_2016, Ramus_2015) without evidence for causality. These reports do not provide unequivocal conclusions about association of the variant with Breast Cancer. To our knowledge, no experimental evidence demonstrating an impact on protein function has been reported. The following publications have been ascertained in the context of this evaluation (PMID: 27720647, 26315354). Four submitters have cited clinical-significance assessments for this variant to ClinVar after 2014. All submitters classified the variant as uncertain significance. Based on the evidence outlined above, the variant was classified as uncertain significance.

Fulgent Genetics
Classification: Uncertain significance for Familial cancer of breast. Last evaluated: 2018-10-31. Review status: criteria provided, single submitter. Criteria: ACMG Guidelines, 2015. Collection method: clinical testing. Allele origin: unknown.

Department of Pathology and Laboratory Medicine, Sinai Health System
Classification: Uncertain significance. Review status: no assertion criteria provided. Collection method: clinical testing. Allele origin: unknown. Affected: yes. Study: The Canadian Open Genetics Repository (COGR). Not counted in ClinVar's aggregate classification.
Comment: The BARD1 p.Pro89Leu variant was not identified in the literature nor was it identified in the Cosmic, MutDB, or the Zhejiang Colon Cancer database. The variant was identified in dbSNP (ID: rs780241203) as with Uncertain significance allele, and in the ClinVar and Clinvitae databases (as uncertain significance by Ambry Genetics, Color Genomics and Invitae). The variant was not identified in the 1000 Genomes and the NHLBI GO Exome Sequencing Projects. The variant was further identified in control databases in 4 of 275858 chromosomes at a frequency of 0.00002 (Genome Aggregation Database Feb 27, 2017). It was observed in the following populations: European Non-Finnish in 3 of 126182 chromosomes (freq: 0.00002), and South Asian in 1 of 30748 chromosomes (freq: 0.00003); but not observed in the African, Other, Latino, Ashkenazi Jewish, East Asian, European Finnish, populations. The p.Pro89 residue is conserved across mammals and other organisms, and computational analyses (PolyPhen-2, SIFT, AlignGVGD, BLOSUM, MutationTaster) suggest that the variant may impact the protein; however, this information is not predictive enough to assume pathogenicity. The variant occurs outside of the splicing consensus sequence and in silico or computational prediction software programs (SpliceSiteFinder, MaxEntScan, NNSPLICE, GeneSplicer, HumanSpliceFinder) do not predict a difference in splicing. In summary, based on the above information the clinical significance of this variant cannot be determined with certainty at this time. This variant is classified as a variant of uncertain significance.

Diagnostic Laboratory, Department of Genetics, University Medical Center Groningen
Classification: Uncertain significance. Review status: no assertion criteria provided. Collection method: clinical testing. Allele origin: germline. Affected: yes. Study: VKGL Data-share Consensus. Not counted in ClinVar's aggregate classification.

Laboratory of Diagnostic Genome Analysis, Leiden University Medical Center (LUMC)
Classification: Uncertain significance. Review status: no assertion criteria provided. Collection method: clinical testing. Allele origin: germline. Affected: yes. Study: VKGL Data-share Consensus. Not counted in ClinVar's aggregate classification.

Literature cited by the submitters: PubMed 26315354 (cited by 5 submitters); PubMed 32885271 (cited by 4 submitters); PubMed 38308423 (cited by Quest Diagnostics Nichols Institute San Juan Capistrano); PubMed 35884425 (cited by Quest Diagnostics Nichols Institute San Juan Capistrano); PubMed 34326862 (cited by Quest Diagnostics Nichols Institute San Juan Capistrano); PubMed 27720647 (cited by Quest Diagnostics Nichols Institute San Juan Capistrano and Women's Health and Genetics/Laboratory Corporation of America, LabCorp); PubMed 33471991 (cited by Quest Diagnostics Nichols Institute San Juan Capistrano and Color Diagnostics, LLC DBA Color Health).